The following is an entry in ClinVar:

NM_000642.3(AGL):c.1592C>G (p.Thr531Arg)

Gene: AGL (amylo-alpha-1,6-glucosidase and 4-alpha-glucanotransferase; plus strand). Cytogenetic location: 1p21.2.
Variant type: single nucleotide variant.
Coding change: c.1592C>G on transcript NM_000642.3 (MANE Select); coding-DNA position 1592, C replaced by G.
Protein change: p.Thr531Arg; replaces threonine 531 with arginine.
Molecular consequence: missense variant.
Genome position (GRCh38, 1-based): chr1:99,877,809, C>G. VCF-style: chr1-99877809-C-G. GRCh37 (hg19) VCF-style: chr1-100343365-C-G.
Other names: c.1592C>G, p.Thr531Arg (NM_000028.3, NM_000643.3, NM_000644.3 and 2 more transcripts); c.1544C>G, p.Thr515Arg (NM_000646.3); c.1391C>G, p.Thr464Arg (NM_001425327.1); c.1388C>G, p.Thr463Arg (NM_001425328.1, NM_001425329.1); c.1214C>G, p.Thr405Arg (NM_001425332.1); short protein forms T515R, T531R, T405R, T463R, T464R.
Identifiers: ClinVar variation 1339078 (VCV001339078.2), dbSNP rs2101136921, ClinGen allele CA341314853.

ClinVar aggregate classification (germline): Uncertain significance (1 of 4 stars; one submission).

Conditions:
Glycogen storage disease type III (GSD3). Also called: Cori disease; FORBES DISEASE. Identifiers: Orphanet 366, MedGen C0017922, MONDO:0009291, OMIM 232400.

Allele frequency attached by ClinVar (database versions not stated): gnomAD exomes below 0.00001.
gnomAD v4.1: 1 of 1,614,038 alleles (0.000062%); highest among the groups gnomAD compares: South Asian, 0.0011%; no homozygotes.

Submission:

Neuberg Centre For Genomic Medicine, NCGM
Classification: Uncertain significance for Glycogen storage disease type III. Review status: criteria provided, single submitter. Criteria: ACMG Guidelines, 2015. Collection method: clinical testing. Allele origin: germline. Affected: yes.
Comment: The missense variant p.T531R in AGL (NM_000642.3) has not been reported previously as a pathogenic variant nor as a benign variant, to our knowledge. The p.T531R variant is novel (not in any individuals) in gnomAD Exomes and is novel (not in any individuals) in 1000 Genomes. The p.T531R missense variant is predicted to be damaging by both SIFT and PolyPhen2. The threonine residue at codon 531 of AGL is conserved in all mammalian species. The nucleotide c.1592 in AGL is predicted conserved by GERP++ and PhyloP across 100 vertebrates. For these reasons, this variant has been classified as Uncertain Significance.